The following is an entry in ClinVar:

NM_003072.5(SMARCA4):c.4271C>A (p.Pro1424Gln)

Gene: SMARCA4 (SWI/SNF related BAF chromatin remodeling complex subunit ATPase 4; plus strand). Cytogenetic location: 19p13.2.
Variant type: single nucleotide variant.
Coding change: c.4271C>A on transcript NM_003072.5 (MANE Select); coding-DNA position 4271, C replaced by A.
Protein change: p.Pro1424Gln; replaces proline 1424 with glutamine.
Molecular consequence: missense variant. On other transcripts: non-coding transcript variant (1).
Genome position (GRCh38, 1-based): chr19:11,041,407, C>A. VCF-style: chr19-11041407-C-A. GRCh37 (hg19) VCF-style: chr19-11152083-C-A.
Other names: c.4172C>A, p.Pro1391Gln (NM_001128847.4, NM_001128848.2, NM_001374457.1); c.4367C>A, p.Pro1456Gln (NM_001128849.3, NM_001387283.1); c.4268C>A, p.Pro1423Gln (NM_001411150.1); c.4367C>A (NM_001128849.1); c.4271C>A, p.Pro1424Gln (NM_001128844.3); c.4181C>A, p.Pro1394Gln (NM_001128845.2, NM_001128846.2); short protein forms P1394Q, P1423Q, P1424Q, P1391Q, P1456Q.
Identifiers: ClinVar variation 2710690 (VCV002710690.4), dbSNP rs760654888, ClinGen allele CA404073434.

ClinVar aggregate classification (germline): Uncertain significance. Review status: criteria provided, multiple submitters, no conflicts (2 of 4 stars). 2 submissions from 2 submitters: Uncertain significance (2). Last evaluated 2026-07-05.

Conditions:
Rhabdoid tumor predisposition syndrome 2 (RTPS2). Identifiers: Orphanet 231108, Orphanet 69077, MedGen C2750074, MONDO:0013224, OMIM 613325.
Hereditary cancer-predisposing syndrome. Also called: Hereditary neoplastic syndrome; Hereditary Cancer Syndrome; Neoplastic Syndromes, Hereditary; Tumor predisposition. Identifiers: Orphanet 140162, MedGen C0027672, MeSH D009386, MONDO:0015356.

Submissions (2):

Ambry Genetics
Classification: Uncertain significance for Hereditary cancer-predisposing syndrome. Last evaluated: 2026-07-05. Review status: criteria provided, single submitter. Criteria: Ambry Variant Classification Scheme 2023. Collection method: clinical testing. Allele origin: germline.
Comment: The p.P1456Q variant (also known as c.4367C>A), located in coding exon 30 of the SMARCA4 gene, results from a C to A substitution at nucleotide position 4367. The proline at codon 1456 is replaced by glutamine, an amino acid with similar properties. This amino acid position is conserved. In addition, the in silico prediction for this alteration is inconclusive. Based on the available evidence, the clinical significance of this variant remains unclear.

Labcorp Genetics (formerly Invitae), Labcorp
Classification: Uncertain significance for Rhabdoid tumor predisposition syndrome 2. Last evaluated: 2023-08-31. Review status: criteria provided, single submitter. Criteria: Invitae Variant Classification Sherloc (09022015). Collection method: clinical testing. Allele origin: germline.
Comment: In summary, the available evidence is currently insufficient to determine the role of this variant in disease. Therefore, it has been classified as a Variant of Uncertain Significance. Advanced modeling of protein sequence and biophysical properties (such as structural, functional, and spatial information, amino acid conservation, physicochemical variation, residue mobility, and thermodynamic stability) has been performed at Invitae for this missense variant, however the output from this modeling did not meet the statistical confidence thresholds required to predict the impact of this variant on SMARCA4 protein function. This variant has not been reported in the literature in individuals affected with SMARCA4-related conditions. This variant is not present in population databases (gnomAD no frequency). This sequence change replaces proline, which is neutral and non-polar, with glutamine, which is neutral and polar, at codon 1456 of the SMARCA4 protein (p.Pro1456Gln).